The following is an entry in ClinVar:

NM_000338.3(SLC12A1):c.206G>A (p.Cys69Tyr)

Gene: SLC12A1 (solute carrier family 12 member 1; plus strand). Cytogenetic location: 15q21.1.
Variant type: single nucleotide variant.
Coding change: c.206G>A on transcript NM_000338.3 (MANE Select); coding-DNA position 206, G replaced by A.
Protein change: p.Cys69Tyr; replaces cysteine 69 with tyrosine.
Molecular consequence: missense variant.
Genome position (GRCh38, 1-based): chr15:48,207,925, G>A. VCF-style: chr15-48207925-G-A. GRCh37 (hg19) VCF-style: chr15-48500122-G-A.
Other names: c.206G>A, p.Cys69Tyr (NM_001184832.2); short protein forms C69Y.
Identifiers: ClinVar variation 586597 (VCV000586597.3), dbSNP rs143141941, ClinGen allele CA392331410.

ClinVar aggregate classification (germline): Uncertain significance. Review status: criteria provided, multiple submitters, no conflicts (2 of 4 stars). 3 submissions from 3 submitters: Uncertain significance (3). Last evaluated 2025-02-06.

Conditions:
Bartter disease type 1. Also called: Bartter syndrome, type 1, antenatal; Bartter Syndrome type 1; HYPERPROSTAGLANDIN E SYNDROME 1; HYPOKALEMIC ALKALOSIS WITH HYPERCALCIURIA 1, ANTENATAL. Identifiers: Orphanet 112, Orphanet 620217, MedGen C1866495, MONDO:0100344, OMIM 601678, MONDO:0011127.

Allele frequency attached by ClinVar (database versions not stated): 1000 Genomes Project 30x 0.00031.
gnomAD v4.1: 3 of 1,613,994 alleles (0.00019%); highest among the groups gnomAD compares: East Asian, 0.0022%; no homozygotes.

Submissions (3):

GeneDx
Classification: Uncertain significance. Last evaluated: 2025-02-06. Review status: criteria provided, single submitter. Criteria: GeneDx Variant Classification Process June 2021. Collection method: clinical testing. Allele origin: germline. Affected: yes.
Comment: Not observed at significant frequency in large population cohorts (gnomAD); In silico analysis indicates that this missense variant does not alter protein structure/function; Has not been previously published as pathogenic or benign to our knowledge

Fulgent Genetics
Classification: Uncertain significance for Bartter disease type 1. Last evaluated: 2018-10-31. Review status: criteria provided, single submitter. Criteria: ACMG Guidelines, 2015. Collection method: clinical testing. Allele origin: unknown.

Athena Diagnostics
Classification: Uncertain significance. Last evaluated: 2017-09-18. Review status: criteria provided, single submitter. Criteria: Athena Diagnostics Criteria. Collection method: clinical testing. Allele origin: germline.